The following is an entry in ClinVar:

ClinVar aggregate classification (germline): Likely benign (1 of 4 stars; one submission).

Allele frequency attached by ClinVar (database versions not stated): gnomAD exomes below 0.00001; TOPMed below 0.00001; ExAC 0.00001; gnomAD 0.00001.
gnomAD v4.1: 4 of 1,613,792 alleles (0.00025%); highest among the groups gnomAD compares: Non-Finnish European, 0.00034%; no homozygotes.

Submission:

CeGaT Center for Human Genetics Tuebingen
Classification: Likely benign. Last evaluated: 2023-02-01. Review status: criteria provided, single submitter. Criteria: CeGaT Center For Human Genetics Tuebingen Variant Classification Criteria Version 2. Collection method: clinical testing. Allele origin: germline. Affected: yes. Observed: 1 variant allele.
Comment: FAT1: BP4, BP7

NM_005245.4(FAT1):c.2610T>C (p.Ile870=)

Gene: FAT1 (FAT atypical cadherin 1; minus strand). Cytogenetic location: 4q35.2.
Variant type: single nucleotide variant.
Coding change: c.2610T>C on transcript NM_005245.4 (MANE Select); coding-DNA position 2610, T replaced by C.
Protein change: p.Ile870=; no amino-acid change (isoleucine 870 retained).
Molecular consequence: synonymous variant.
Genome position (GRCh38, 1-based): chr4:186,707,218, A>G on the plus strand (T>C on the coding strand, the complement: FAT1 is on the minus strand). VCF-style: chr4-186707218-A-G. GRCh37 (hg19) VCF-style: chr4-187628372-A-G.
Identifiers: ClinVar variation 2655233 (VCV002655233.24), dbSNP rs772422113, ClinGen allele CA3167231.